The following is an entry in ClinVar:

ClinVar aggregate classification (germline): Pathogenic (3 of 4 stars; one submission).

Conditions:
Breast-ovarian cancer, familial, susceptibility to, 2 (BROVCA2). Also called: BRCA2 Hereditary Breast and Ovarian Cancer. Identifiers: Orphanet 145, MedGen C2675520, MONDO:0012933, OMIM 612555. Disease mechanism: loss of function.

Submission:

Evidence-based Network for the Interpretation of Germline Mutant Alleles (ENIGMA)
Classification: Pathogenic for Breast-ovarian cancer, familial, susceptibility to, 2. Last evaluated: 2017-12-15. Review status: reviewed by expert panel. Criteria: ENIGMA BRCA1/2 Classification Criteria (2017-06-29). Collection method: curation. Allele origin: germline. Study: ENIGMA.
Comment: Variant allele predicted to encode a truncated non-functional protein.

NM_000059.4(BRCA2):c.5342dup (p.Asp1781fs)

Gene: BRCA2 (BRCA2 DNA repair associated; plus strand). Cytogenetic location: 13q13.1.
Variant type: Duplication.
Coding change: c.5342dup on transcript NM_000059.4 (MANE Select); coding-DNA position 5342, one base duplicated (A; older notation c.5342dupA).
Protein change: p.Asp1781fs; shifts the reading frame from aspartic acid 1781.
Molecular consequence: frameshift variant.
Genome position (GRCh38, 1-based): chr13:32,339,697, A duplicated. VCF-style (leftmost placement, unchanged base first): chr13-32339696-G-GA. GRCh37 (hg19) VCF-style: chr13-32913833-G-GA.
Other names: c.5342dupA (NM_000059.3); short protein forms D1781fs.
Identifiers: ClinVar variation 548411 (VCV000548411.1), dbSNP rs1555284179, ClinGen allele CA658823648.
Genomic context (GRCh38, chr13:32,339,696, plus strand): 5'-GGATATCTCTCAAAAAATAAACTTGATTCTGGTATTGAGCCAGTATTGAAGAATGTTGAA[G>GA]ATCAAAAAAACACTAGTTTTTCCAAAGTAATATCCAATGTAAAAGATGCAAATGCATACC-3'